The following is an entry in ClinVar:

NM_145868.2(ANXA11):c.1457C>T (p.Ser486Leu)

Gene: ANXA11 (annexin A11; minus strand). Cytogenetic location: 10q22.3.
Variant type: single nucleotide variant.
Coding change: c.1457C>T on transcript NM_145868.2 (MANE Select); coding-DNA position 1457, C replaced by T.
Protein change: p.Ser486Leu; replaces serine 486 with leucine.
Molecular consequence: missense variant.
Genome position (GRCh38, 1-based): chr10:80,157,642, G>A on the plus strand (C>T on the coding strand, the complement: ANXA11 is on the minus strand). VCF-style: chr10-80157642-G-A. GRCh37 (hg19) VCF-style: chr10-81917398-G-A.
Other names: c.1457C>T, p.Ser486Leu (NM_001157.3, NM_001278407.2, NM_001278408.2 and 1 more transcripts); c.1358C>T, p.Ser453Leu (NM_001278409.2); c.1457C>T (NM_145869.1, NM_001157.2); short protein forms S486L, S453L.
Identifiers: ClinVar variation 1366578 (VCV001366578.9), dbSNP rs778082972, ClinGen allele CA5575763.
Genomic context (GRCh38, chr10:80,157,642, plus strand): 5'-GTTCCACAGGTGACTGAGATGCCAAAAGGGAGCCCAGTTGGCCTGCAGCAGGCCCGTACC[G>A]AGATGTCGTGGTACAGCGACTTGCCGTACATCCGCTTATACTCTGATCTGATGTCCAGGA-3'
Protein context (NP_665875.1, residues 476-496): MYGKSLYHDI[Ser486Leu]GDTSGDYRKI

ClinVar aggregate classification (germline): Uncertain significance. Review status: criteria provided, multiple submitters, no conflicts (2 of 4 stars). 4 submissions from 4 submitters: Uncertain significance (4). Last evaluated 2025-12-11.

Conditions:
Inborn genetic diseases. Identifiers: MedGen C0950123, MeSH D030342.
ANXA11-related disorder. Also called: ANXA11-related condition.

Allele frequency attached by ClinVar (database versions not stated): ExAC 0.00002; gnomAD exomes 0.00003 and 0.00007; gnomAD 0.00018 and 0.00020; TOPMed 0.00019.
gnomAD v4.1: 70 of 1,612,962 alleles (0.0043%); highest among the groups gnomAD compares: Admixed American, 0.088%; no homozygotes.

Submissions (4):

Ambry Genetics
Classification: Uncertain significance for Inborn genetic diseases. Last evaluated: 2025-12-11. Review status: criteria provided, single submitter. Criteria: Ambry Variant Classification Scheme 2023. Collection method: clinical testing. Allele origin: germline.

Labcorp Genetics (formerly Invitae), Labcorp
Classification: Uncertain significance. Last evaluated: 2025-10-25. Review status: criteria provided, single submitter. Criteria: Invitae Variant Classification Sherloc (09022015). Collection method: clinical testing. Allele origin: germline.
Comment: This sequence change replaces serine, which is neutral and polar, with leucine, which is neutral and non-polar, at codon 486 of the ANXA11 protein (p.Ser486Leu). This variant is present in population databases (rs778082972, gnomAD 0.05%), and has an allele count higher than expected for a pathogenic variant. This variant has not been reported in the literature in individuals affected with ANXA11-related conditions. ClinVar contains an entry for this variant (Variation ID: 1366578). An algorithm developed to predict the effect of missense changes on protein structure and function (PolyPhen-2) suggests that this variant is likely to be disruptive. In summary, the available evidence is currently insufficient to determine the role of this variant in disease. Therefore, it has been classified as a Variant of Uncertain Significance.

Women's Health and Genetics/Laboratory Corporation of America, LabCorp
Classification: Uncertain significance. Last evaluated: 2024-10-24. Review status: criteria provided, single submitter. Criteria: LabCorp Variant Classification Summary - May 2015. Collection method: clinical testing. Allele origin: germline.
Comment: Variant summary: ANXA11 c.1457C>T (p.Ser486Leu) results in a non-conservative amino acid change in the encoded protein sequence. Three of five in-silico tools predict a damaging effect of the variant on protein function. Consensus agreement among computation tools predict no significant impact on normal splicing. However, these predictions have yet to be confirmed by functional studies. The variant allele was found at a frequency of 7.2e-05 in 250462 control chromosomes. This frequency is not significantly higher than estimated for a pathogenic variant in ANXA11 causing ANXA11-Related Disorders, allowing no conclusion about variant significance. To our knowledge, no occurrence of c.1457C>T in individuals affected with ANXA11-Related Disorders and no experimental evidence demonstrating its impact on protein function have been reported. ClinVar contains an entry for this variant (Variation ID: 1366578). Based on the evidence outlined above, the variant was classified as uncertain significance.

PreventionGenetics, part of Exact Sciences
Classification: Uncertain significance for ANXA11-related condition. Last evaluated: 2023-08-15. Review status: criteria provided, single submitter. Criteria: ACMG Guidelines, 2015. Collection method: clinical testing. Allele origin: germline.
Comment: The ANXA11 c.1457C>T variant is predicted to result in the amino acid substitution p.Ser486Leu. To our knowledge, this variant has not been reported in the literature. This variant is reported in 0.045% of alleles in individuals of Latino descent in gnomAD. Although we suspect that this variant may be benign, at this time, the clinical significance of this variant is uncertain due to the absence of conclusive functional and genetic evidence.